The following is an entry in ClinVar:

ClinVar aggregate classification (germline): Uncertain significance (1 of 4 stars; one submission).

Allele frequency attached by ClinVar (database versions not stated): TOPMed 0.00001; gnomAD 0.00003.
gnomAD v4.1: 9 of 1,613,670 alleles (0.00056%); highest among the groups gnomAD compares: African/African-American, 0.0067%; no homozygotes.

Submission:

Labcorp Genetics (formerly Invitae), Labcorp
Classification: Uncertain significance. Last evaluated: 2021-08-14. Review status: criteria provided, single submitter. Criteria: Invitae Variant Classification Sherloc (09022015). Collection method: clinical testing. Allele origin: germline.
Comment: This sequence change replaces glycine with serine at codon 582 of the ZNF341 protein (p.Gly582Ser). The glycine residue is highly conserved and there is a small physicochemical difference between glycine and serine. This variant is present in population databases (rs748630033, ExAC 0.01%). This variant has not been reported in the literature in individuals affected with ZNF341-related conditions. Algorithms developed to predict the effect of missense changes on protein structure and function are either unavailable or do not agree on the potential impact of this missense change (SIFT: "Deleterious"; PolyPhen-2: "Benign"; Align-GVGD: "Class C0"). Algorithms developed to predict the effect of sequence changes on RNA splicing suggest that this variant may create or strengthen a splice site. In summary, the available evidence is currently insufficient to determine the role of this variant in disease. Therefore, it has been classified as a Variant of Uncertain Significance.

NM_001282933.2(ZNF341):c.1765G>A (p.Gly589Ser)

Gene: ZNF341 (zinc finger protein 341; plus strand). Cytogenetic location: 20q11.22.
Variant type: single nucleotide variant.
Coding change: c.1765G>A on transcript NM_001282933.2 (MANE Select); coding-DNA position 1765, G replaced by A.
Protein change: p.Gly589Ser; replaces glycine 589 with serine.
Molecular consequence: missense variant. On other transcripts: non-coding transcript variant (1).
Genome position (GRCh38, 1-based): chr20:33,783,777, G>A. VCF-style: chr20-33783777-G-A. GRCh37 (hg19) VCF-style: chr20-32371583-G-A.
Other names: c.1495G>A, p.Gly499Ser (NM_001282935.2); c.1744G>A, p.Gly582Ser (NM_032819.5); short protein forms G499S, G582S, G589S.
Identifiers: ClinVar variation 1503637 (VCV001503637.5), dbSNP rs748630033, ClinGen allele CA9819550.